The following is an entry in ClinVar:

NM_020297.4(ABCC9):c.5G>A (p.Ser2Asn)

Gene: ABCC9 (ATP binding cassette subfamily C member 9; minus strand). Cytogenetic location: 12p12.1.
Variant type: single nucleotide variant.
Coding change: c.5G>A on transcript NM_020297.4 (MANE Select); coding-DNA position 5, G replaced by A.
Protein change: p.Ser2Asn; replaces serine 2 with asparagine.
Molecular consequence: missense variant. On other transcripts: 5 prime UTR variant (1).
Genome position (GRCh38, 1-based): chr12:21,936,670, C>T on the plus strand (G>A on the coding strand, the complement: ABCC9 is on the minus strand). VCF-style: chr12-21936670-C-T. GRCh37 (hg19) VCF-style: chr12-22089604-C-T.
Other names: c.5G>A, p.Ser2Asn (NM_001377273.1, NM_005691.4); c.-450G>A (NM_001377274.1); short protein forms S2N.
Identifiers: ClinVar variation 582452 (VCV000582452.10), dbSNP rs1359649036, ClinGen allele CA384134071.
Genomic context (GRCh38, chr12:21,936,670, plus strand): 5'-TTTTGTAGTACACCATCGTTGATATTATATGAAGAAATGTTGTTACCACAAAATGAAAGG[C>T]TCATTTCTTCTTATATGGTTTACTCTAAAAGGGAGAGAAATGAGAAAGAAAAATCCTCTT-3'
Protein context (NP_064693.2, residues 1-12): M[Ser2Asn]LSFCGNNISS

ClinVar aggregate classification (germline): Uncertain significance. Review status: criteria provided, multiple submitters, no conflicts (2 of 4 stars). 2 submissions from 2 submitters: Uncertain significance (2). Last evaluated 2022-11-15.

Conditions:
Dilated cardiomyopathy 1O (CMD1O). Also called: CARDIOMYOPATHY, DILATED, WITH VENTRICULAR TACHYCARDIA. Identifiers: Orphanet 154, MedGen C1837839, MONDO:0012062, OMIM 608569.
Hypertrichotic osteochondrodysplasia Cantu type. Also called: Cantu Syndrome; Cantú Syndrome. Identifiers: Orphanet 1517, MedGen C0795905, MONDO:0009406, OMIM 239850.
Atrial fibrillation, familial, 12 (ATFB12). Identifiers: MedGen C3279695, MONDO:0013545, OMIM 614050.
Intellectual disability and myopathy syndrome (IDMYS). Identifiers: MedGen C5676904, MONDO:0859224, OMIM 619719.

Allele frequency attached by ClinVar (database versions not stated): gnomAD exomes below 0.00001 and 0.00001; gnomAD 0.00001; TOPMed 0.00001.
gnomAD v4.1: 13 of 1,607,320 alleles (0.00081%); highest among the groups gnomAD compares: Non-Finnish European, 0.0011%; no homozygotes.

Submissions (2):

Labcorp Genetics (formerly Invitae), Labcorp
Classification: Uncertain significance for Dilated cardiomyopathy 1O. Last evaluated: 2022-11-15. Review status: criteria provided, single submitter. Criteria: Invitae Variant Classification Sherloc (09022015). Collection method: clinical testing. Allele origin: germline.
Comment: This sequence change replaces serine, which is neutral and polar, with asparagine, which is neutral and polar, at codon 2 of the ABCC9 protein (p.Ser2Asn). This variant is not present in population databases (gnomAD no frequency). This missense change has been observed in individual(s) with arrhythmia (PMID: 30847666). ClinVar contains an entry for this variant (Variation ID: 582452). Algorithms developed to predict the effect of missense changes on protein structure and function output the following: SIFT: "Deleterious"; PolyPhen-2: "Benign"; Align-GVGD: "Class C0". The asparagine amino acid residue is found in multiple mammalian species, which suggests that this missense change does not adversely affect protein function. In summary, the available evidence is currently insufficient to determine the role of this variant in disease. Therefore, it has been classified as a Variant of Uncertain Significance.

Fulgent Genetics
Classification: Uncertain significance for Hypertrichotic osteochondrodysplasia Cantu type; Dilated cardiomyopathy 1O; Atrial fibrillation, familial, 12; Intellectual disability and myopathy syndrome. Last evaluated: 2021-09-28. Review status: criteria provided, single submitter. Criteria: ACMG Guidelines, 2015. Collection method: clinical testing. Allele origin: unknown.

Literature cited by the submitters: PubMed 30847666 (cited by Labcorp Genetics (formerly Invitae), Labcorp).